The following is an entry in ClinVar:

ClinVar aggregate classification (germline): Uncertain significance (1 of 4 stars; one submission).

Submission:

GeneDx
Classification: Uncertain significance. Last evaluated: 2024-05-23. Review status: criteria provided, single submitter. Criteria: GeneDx Variant Classification Process June 2021. Collection method: clinical testing. Allele origin: germline. Affected: yes.
Comment: Not observed at significant frequency in large population cohorts (gnomAD); In silico analysis supports that this missense variant has a deleterious effect on protein structure/function; Has not been previously published as pathogenic or benign to our knowledge

NM_024496.4(IRF2BPL):c.1159C>T (p.Pro387Ser)

Gene: IRF2BPL (interferon regulatory factor 2 binding protein like; minus strand). Cytogenetic location: 14q24.3.
Variant type: single nucleotide variant.
Coding change: c.1159C>T on transcript NM_024496.4 (MANE Select); coding-DNA position 1159, C replaced by T.
Protein change: p.Pro387Ser; replaces proline 387 with serine.
Molecular consequence: missense variant.
Genome position (GRCh38, 1-based): chr14:77,026,634, G>A on the plus strand (C>T on the coding strand, the complement: IRF2BPL is on the minus strand). VCF-style: chr14-77026634-G-A. GRCh37 (hg19) VCF-style: chr14-77492977-G-A.
Other names: short protein forms P387S.
Identifiers: ClinVar variation 3381409 (VCV003381409.1).